The following is an entry in ClinVar:

ClinVar aggregate classification (germline): Uncertain significance. Review status: criteria provided, multiple submitters, no conflicts (2 of 4 stars). 6 submissions from 6 submitters: Uncertain significance (6). Last evaluated 2025-03-07.

Conditions:
Glycogen storage disease, type VII (GSD7). Also called: GSD VII; MUSCLE PHOSPHOFRUCTOKINASE DEFICIENCY; PFKM DEFICIENCY; TARUI DISEASE. Identifiers: Orphanet 371, MedGen C0017926, MONDO:0009295, OMIM 232800.

Allele frequency attached by ClinVar (database versions not stated): gnomAD exomes 0.00019 and 0.00020; gnomAD 0.00021 and 0.00023; ExAC 0.00023; TOPMed 0.00030; 1000 Genomes Project 30x 0.00031; ESP Exome Variant Server 0.00031; 1000 Genomes Project 0.00040.
gnomAD v4.1: 318 of 1,613,384 alleles (0.02%); highest among the groups gnomAD compares: Admixed American, 0.045%; no homozygotes.

Submissions (6):

ARUP Laboratories, Molecular Genetics and Genomics, ARUP Laboratories
Classification: Uncertain significance for Glycogen storage disease, type VII. Last evaluated: 2025-03-07. Review status: criteria provided, single submitter. Criteria: ARUP Molecular Germline Variant Investigation Process 2024. Collection method: clinical testing. Allele origin: germline.
Comment: The PFKM c.820A>G; p.Ile274Val variant (rs142868881), to our knowledge, is not reported in the medical literature but is reported in ClinVar (Variation ID: 308951). This variant is found in the general population with an overall allele frequency of 0.02% (56/282670 alleles, including 1 homozygote) in the Genome Aggregation Database (v2.1.1). Computational analyses are uncertain whether this variant is neutral or deleterious (REVEL: 0.409). Due to limited information, the clinical significance of this variant is uncertain at this time.

Revvity Omics, Revvity
Classification: Uncertain significance for Glycogen storage disease, type VII. Last evaluated: 2024-05-15. Review status: criteria provided, single submitter. Criteria: ACMG Guidelines, 2015. Collection method: clinical testing. Allele origin: germline.

Mayo Clinic Laboratories, Mayo Clinic
Classification: Uncertain significance. Last evaluated: 2022-11-18. Review status: criteria provided, single submitter. Criteria: ACMG Guidelines, 2015. Collection method: clinical testing. Allele origin: germline. Observed: 1 variant allele.

Labcorp Genetics (formerly Invitae), Labcorp
Classification: Uncertain significance for Glycogen storage disease, type VII. Last evaluated: 2022-07-24. Review status: criteria provided, single submitter. Criteria: Invitae Variant Classification Sherloc (09022015). Collection method: clinical testing. Allele origin: germline.
Comment: This sequence change replaces isoleucine, which is neutral and non-polar, with valine, which is neutral and non-polar, at codon 274 of the PFKM protein (p.Ile274Val). This variant is present in population databases (rs142868881, gnomAD 0.03%). This variant has not been reported in the literature in individuals affected with PFKM-related conditions. ClinVar contains an entry for this variant (Variation ID: 308951). Algorithms developed to predict the effect of missense changes on protein structure and function (SIFT, PolyPhen-2, Align-GVGD) all suggest that this variant is likely to be tolerated. In summary, the available evidence is currently insufficient to determine the role of this variant in disease. Therefore, it has been classified as a Variant of Uncertain Significance.

Fulgent Genetics
Classification: Uncertain significance for Glycogen storage disease, type VII. Last evaluated: 2021-12-06. Review status: criteria provided, single submitter. Criteria: ACMG Guidelines, 2015. Collection method: clinical testing. Allele origin: unknown.

Illumina Laboratory Services, Illumina
Classification: Uncertain significance for Glycogen storage disease, type VII. Last evaluated: 2018-01-13. Review status: criteria provided, single submitter. Criteria: ICSL Variant Classification Criteria 13 December 2019. Collection method: clinical testing. Allele origin: germline.

NM_000289.6(PFKM):c.820A>G (p.Ile274Val)

Gene: PFKM (phosphofructokinase, muscle; plus strand). Cytogenetic location: 12q13.11.
Variant type: single nucleotide variant.
Coding change: c.820A>G on transcript NM_000289.6 (MANE Select); coding-DNA position 820, A replaced by G.
Protein change: p.Ile274Val; replaces isoleucine 274 with valine.
Molecular consequence: missense variant. On other transcripts: non-coding transcript variant (6).
Genome position (GRCh38, 1-based): chr12:48,135,015, A>G. VCF-style: chr12-48135015-A-G. GRCh37 (hg19) VCF-style: chr12-48528798-A-G.
Other names: p.Ile274Val; c.1033A>G, p.Ile345Val (NM_001166686.2, NM_001354737.1, NM_001354738.1 and 1 more transcripts); c.820A>G, p.Ile274Val (NM_001166687.2, NM_001166688.2, NM_001354742.2 and 4 more transcripts); c.1129A>G, p.Ile377Val (NM_001354735.1, NM_001354736.1); c.964A>G, p.Ile322Val (NM_001354740.1); c.844A>G, p.Ile282Val (NM_001354741.2); c.733A>G, p.Ile245Val (NM_001354745.2); c.670A>G, p.Ile224Val (NM_001354747.2, NM_001354748.2); short protein forms I274V, I345V, I282V, I377V, I224V, I322V, I245V.
Identifiers: ClinVar variation 308951 (VCV000308951.11), dbSNP rs142868881, ClinGen allele CA6537109.
Genomic context (GRCh38, chr12:48,135,015, plus strand): 5'-GGTTCTCGTCTCAACATCATCATTGTGGCTGAGGGTGCAATTGACAAGAATGGAAAACCA[A>G]TCACCTCAGAAGACATCAAGAATGTTCGTATGAATGAAGCCAGAGAGGCCTTAGAATCCA-3'
Protein context (NP_000280.1, residues 264-284): EGAIDKNGKP[Ile274Val]TSEDIKNLVV